The following is an entry in ClinVar:

NM_001394372.1(BICRA):c.4659C>G (p.Leu1553=)

Gene: BICRA (BRD4 interacting chromatin remodeling complex associated protein; plus strand). Cytogenetic location: 19q13.33.
Variant type: single nucleotide variant.
Coding change: c.4659C>G on transcript NM_001394372.1 (MANE Select); coding-DNA position 4659, C replaced by G.
Protein change: p.Leu1553=; no amino-acid change (leucine 1553 retained).
Molecular consequence: synonymous variant.
Genome position (GRCh38, 1-based): chr19:47,702,391, C>G. VCF-style: chr19-47702391-C-G. GRCh37 (hg19) VCF-style: chr19-48205648-C-G.
Other names: c.4659C>G, p.Leu1553= (NM_015711.3).
Identifiers: ClinVar variation 5041221 (VCV005041221.1).

ClinVar aggregate classification (germline): Likely benign (1 of 4 stars; one submission).

gnomAD v4.1: 118 of 1,516,834 alleles (0.0078%); highest among the groups gnomAD compares: Non-Finnish European, 0.0097%; no homozygotes.

Submission:

CeGaT Center for Human Genetics Tuebingen
Classification: Likely benign. Last evaluated: 2026-09-01. Review status: criteria provided, single submitter. Criteria: CeGaT Center For Human Genetics Tuebingen Variant Classification Criteria Version 2. Collection method: clinical testing. Allele origin: germline. Affected: yes. Observed: 1 variant allele.
Comment: BICRA: BP4, BP7